The following is an entry in ClinVar:

ClinVar aggregate classification (germline): Benign (0 of 4 stars; one submission).

Conditions:
PLEKHG6-related disorder. Also called: PLEKHG6-related condition.

Submission:

PreventionGenetics, part of Exact Sciences
Classification: Benign for PLEKHG6-related condition. Last evaluated: 2022-04-06. Review status: no assertion criteria provided. Collection method: clinical testing. Allele origin: germline.
Comment: This variant is classified as benign based on ACMG/AMP sequence variant interpretation guidelines (Richards et al. 2015 PMID: 25741868, with internal and published modifications).

NM_001384598.1(PLEKHG6):c.139-457del

Gene: PLEKHG6 (pleckstrin homology and RhoGEF domain containing G6; plus strand). Cytogenetic location: 12p13.31.
Variant type: Deletion.
Coding change: c.139-457del on transcript NM_001384598.1 (MANE Select); 457 bases into the intron before coding-DNA position 139, one base deleted (G; older notation c.139-457delG).
Molecular consequence: intron variant. On other transcripts: 5 prime UTR variant (1).
Genome position (GRCh38, 1-based): chr12:6,313,172, G deleted; the last of 4 consecutive G bases (chr12:6,313,169-6,313,172); deleting any one gives the same sequence. VCF-style (leftmost placement, unchanged base first): chr12-6313168-TG-T. GRCh37 (hg19) VCF-style: chr12-6422334-TG-T.
Other names: c.-219del (NM_001144857.2); c.139-457del (NM_018173.4, NM_001384604.1, NM_001384599.1 and 3 more transcripts); c.117-501del (NM_001384600.1, NM_001384603.1).
Identifiers: ClinVar variation 3038576 (VCV003038576.2), dbSNP rs540989527, ClinGen allele CA6404420.
Genomic context (GRCh38, chr12:6,313,168, plus strand): 5'-CAGCCTTTCACACAGAAGGGCAGCCACTCCCAGCTGGATGGGATGCAGGCTGCACGCCCC[TG>T]GGGAGAAGGCTGCACATGTGAGTGCCCTCGTCCCCATGTGTGAGGGAGGCTGGTCATAGA-3'